The following is an entry in ClinVar:

ClinVar aggregate classification (germline): Uncertain significance (1 of 4 stars; one submission).

Conditions:
Charcot-Marie-Tooth disease type 4. Also called: Charcot-Marie-Tooth, Type 4; Charcot-Marie-Tooth disease, type IV. Identifiers: Orphanet 64749, MedGen C4082197, MONDO:0018995.

Submission:

Labcorp Genetics (formerly Invitae), Labcorp
Classification: Uncertain significance for Charcot-Marie-Tooth disease type 4. Last evaluated: 2024-08-11. Review status: criteria provided, single submitter. Criteria: Invitae Variant Classification Sherloc (09022015). Collection method: clinical testing. Allele origin: germline.
Comment: This sequence change replaces methionine, which is neutral and non-polar, with isoleucine, which is neutral and non-polar, at codon 397 of the FGD4 protein (p.Met397Ile). This variant also falls at the last nucleotide of exon 9, which is part of the consensus splice site for this exon. This variant is not present in population databases (gnomAD no frequency). This variant has not been reported in the literature in individuals affected with FGD4-related conditions. An algorithm developed to predict the effect of missense changes on protein structure and function (PolyPhen-2) suggests that this variant is likely to be tolerated. Variants that disrupt the consensus splice site are a relatively common cause of aberrant splicing (PMID: 17576681, 9536098). Algorithms developed to predict the effect of sequence changes on RNA splicing suggest that this variant may disrupt the consensus splice site. In summary, the available evidence is currently insufficient to determine the role of this variant in disease. Therefore, it has been classified as a Variant of Uncertain Significance.

Literature cited by the submitters: PubMed 17576681; PubMed 9536098.

NM_001370298.3(FGD4):c.1602G>C (p.Met534Ile)

Gene: FGD4 (FYVE, RhoGEF and PH domain containing 4; plus strand). Cytogenetic location: 12p11.21.
Variant type: single nucleotide variant.
Coding change: c.1602G>C on transcript NM_001370298.3 (MANE Select); coding-DNA position 1602, G replaced by C.
Protein change: p.Met534Ile; replaces methionine 534 with isoleucine.
Molecular consequence: missense variant.
Genome position (GRCh38, 1-based): chr12:32,610,834, G>C. VCF-style: chr12-32610834-G-C. GRCh37 (hg19) VCF-style: chr12-32763768-G-C.
Other names: c.639G>C, p.Met213Ile (NM_001370297.1); c.1446G>C, p.Met482Ile (NM_001304481.2); c.447G>C, p.Met149Ile (NM_001304483.2); c.159G>C, p.Met53Ile (NM_001304484.2); c.912G>C, p.Met304Ile (NM_001330373.2, NM_001330374.2, NM_001384130.1); c.1602G>C, p.Met534Ile (NM_001384126.1); c.1191G>C, p.Met397Ile (NM_001384127.1, NM_001384128.1, NM_001385118.1 and 1 more transcripts); short protein forms M397I, M482I, M53I, M304I, M534I, M149I, M213I.
Identifiers: ClinVar variation 3697008 (VCV003697008.2).